The following is an entry in ClinVar:

ClinVar aggregate classification (germline): Uncertain significance. Review status: criteria provided, multiple submitters, no conflicts (2 of 4 stars). 2 submissions from 2 submitters: Uncertain significance (2). Last evaluated 2025-05-05.

Conditions:
Inborn genetic diseases. Identifiers: MedGen C0950123, MeSH D030342.
Fanconi anemia complementation group A (FANCA). Also called: FANCA-Related Fanconi Anemia; Fanconi anemia, group A. Identifiers: Orphanet 84, MedGen C3469521, MONDO:0009215, OMIM 227650.

gnomAD v4.1: 7 of 1,614,052 alleles (0.00043%); highest among the groups gnomAD compares: East Asian, 0.0022%; no homozygotes.

Submissions (2):

Ambry Genetics
Classification: Uncertain significance for Inborn genetic diseases. Last evaluated: 2025-05-05. Review status: criteria provided, single submitter. Criteria: Ambry Variant Classification Scheme 2023. Collection method: clinical testing. Allele origin: germline.
Comment: The p.T1278I variant (also known as c.3833C>T), located in coding exon 39 of the FANCA gene, results from a C to T substitution at nucleotide position 3833. The threonine at codon 1278 is replaced by isoleucine, an amino acid with similar properties. This amino acid position is conserved. In addition, this alteration is predicted to be tolerated by in silico analysis. Based on the available evidence, the clinical significance of this variant remains unclear.

Fulgent Genetics
Classification: Uncertain significance for Fanconi anemia complementation group A. Last evaluated: 2024-06-10. Review status: criteria provided, single submitter. Criteria: ACMG Guidelines, 2015. Collection method: clinical testing. Allele origin: germline.

NM_000135.4(FANCA):c.3833C>T (p.Thr1278Ile)

Genes: ZNF276 (zinc finger protein 276; plus strand), FANCA (FA complementation group A; minus strand). Cytogenetic location: 16q24.3.
Variant type: single nucleotide variant.
Coding change: c.3833C>T on transcript NM_000135.4 (MANE Select); coding-DNA position 3833, C replaced by T.
Protein change: p.Thr1278Ile; replaces threonine 1278 with isoleucine.
Molecular consequence: missense variant. On other transcripts: 3 prime UTR variant (2), non-coding transcript variant (4).
Genome position (GRCh38, 1-based): chr16:89,740,095, G>A on the plus strand (C>T on the coding strand, the complement: FANCA is on the minus strand). VCF-style: chr16-89740095-G-A. GRCh37 (hg19) VCF-style: chr16-89806503-G-A.
Other names: c.3833C>T, p.Thr1278Ile (NM_001286167.3); c.*1849G>A (NM_001113525.2, NM_152287.4); short protein forms T1278I.
Identifiers: ClinVar variation 3581452 (VCV003581452.2).